The following is an entry in ClinVar:

ClinVar aggregate classification (germline): Uncertain significance. Review status: criteria provided, multiple submitters, no conflicts (2 of 4 stars). 2 submissions from 2 submitters: Uncertain significance (2). Last evaluated 2026-07-06.

Conditions:
Hereditary cancer-predisposing syndrome. Also called: Hereditary Cancer Syndrome; Hereditary neoplastic syndrome; Neoplastic Syndromes, Hereditary; Tumor predisposition. Identifiers: Orphanet 140162, MedGen C0027672, MeSH D009386, MONDO:0015356.

Submissions (2):

Ambry Genetics
Classification: Uncertain significance for Hereditary cancer-predisposing syndrome. Last evaluated: 2026-07-06. Review status: criteria provided, single submitter. Criteria: Ambry Variant Classification Scheme 2023. Collection method: clinical testing. Allele origin: germline.
Comment: The p.Q5H variant (also known as c.15G>T), located in coding exon 1 of the NTHL1 gene, results from a G to T substitution at nucleotide position 15. The glutamine at codon 5 is replaced by histidine, an amino acid with highly similar properties. This amino acid position is conserved. In addition, this alteration is predicted to be tolerated by in silico analysis. Based on the available evidence, the clinical significance of this variant remains unclear.

Labcorp Genetics (formerly Invitae), Labcorp
Classification: Uncertain significance. Last evaluated: 2022-11-15. Review status: criteria provided, single submitter. Criteria: Invitae Variant Classification Sherloc (09022015). Collection method: clinical testing. Allele origin: germline.
Comment: In summary, the available evidence is currently insufficient to determine the role of this variant in disease. Therefore, it has been classified as a Variant of Uncertain Significance. Algorithms developed to predict the effect of missense changes on protein structure and function are either unavailable or do not agree on the potential impact of this missense change (SIFT: "Not Available"; PolyPhen-2: "Benign"; Align-GVGD: "Not Available"). This variant has not been reported in the literature in individuals affected with NTHL1-related conditions. This variant is not present in population databases (gnomAD no frequency). This sequence change replaces glutamine, which is neutral and polar, with histidine, which is basic and polar, at codon 5 of the NTHL1 protein (p.Gln5His).

NM_002528.7(NTHL1):c.-10G>T

Gene: NTHL1 (nth like DNA glycosylase 1; minus strand). Cytogenetic location: 16p13.3.
Variant type: single nucleotide variant.
Coding change: c.-10G>T on transcript NM_002528.7 (MANE Select); 10 bases upstream of the start codon, G replaced by T.
Molecular consequence: 5 prime UTR variant.
Genome position (GRCh38, 1-based): chr16:2,047,833, C>A on the plus strand (G>T on the coding strand, the complement: NTHL1 is on the minus strand). VCF-style: chr16-2047833-C-A. GRCh37 (hg19) VCF-style: chr16-2097834-C-A.
Other names: c.15G>T (NM_002528.5); c.-10G>T (NM_001318193.2); c.-188G>T (NM_001318194.2).
Identifiers: ClinVar variation 2814450 (VCV002814450.4), dbSNP rs2084532496, ClinGen allele CA394298828.